The following is an entry in ClinVar:

ClinVar aggregate classification (germline): Uncertain significance. Review status: criteria provided, multiple submitters, no conflicts (2 of 4 stars). 3 submissions from 3 submitters: Uncertain significance (3). Last evaluated 2025-12-26.

Conditions:
USH2A-related disorder. Also called: USH2A-related disorders; USH2A-related condition. Identifiers: MedGen CN239332.

Allele frequency attached by ClinVar (database versions not stated): TOPMed below 0.00001; ExAC 0.00001; gnomAD 0.00001; ESP Exome Variant Server 0.00008.
gnomAD v4.1: 11 of 1,613,840 alleles (0.00068%); highest among the groups gnomAD compares: African/African-American, 0.0013%; no homozygotes.

Submissions (3):

PreventionGenetics, part of Exact Sciences
Classification: Uncertain significance for USH2A-related condition. Last evaluated: 2025-12-26. Review status: criteria provided, single submitter. Criteria: ACMG Guidelines, 2015. Collection method: clinical testing. Allele origin: germline.
Comment: The USH2A c.1705G>A variant is predicted to result in the amino acid substitution p.Ala569Thr. This variant was reported in the heterozygous state in an individual with retinal dystrophy (supplementary data, Mihalich et al. 2024. PubMed ID: 38927702). This variant is reported in 0.0062% of alleles in individuals of African descent in gnomAD. At this time, the clinical significance of this variant is uncertain due to the absence of conclusive functional and genetic evidence.

Blueprint Genetics
Classification: Uncertain significance. Last evaluated: 2024-07-15. Review status: criteria provided, single submitter. Criteria: ACMG Guidelines, 2015. Collection method: clinical testing. Allele origin: germline.

Labcorp Genetics (formerly Invitae), Labcorp
Classification: Uncertain significance. Last evaluated: 2021-09-01. Review status: criteria provided, single submitter. Criteria: Invitae Variant Classification Sherloc (09022015). Collection method: clinical testing. Allele origin: germline.
Comment: This sequence change replaces alanine with threonine at codon 569 of the USH2A protein (p.Ala569Thr). The alanine residue is highly conserved and there is a small physicochemical difference between alanine and threonine. This variant is present in population databases (rs138739049, ExAC 0.01%). This variant has not been reported in the literature in individuals affected with USH2A-related conditions. Algorithms developed to predict the effect of missense changes on protein structure and function output the following: SIFT: "Deleterious"; PolyPhen-2: "Benign"; Align-GVGD: "Class C55". The threonine amino acid residue is found in multiple mammalian species, which suggests that this missense change does not adversely affect protein function. In summary, the available evidence is currently insufficient to determine the role of this variant in disease. Therefore, it has been classified as a Variant of Uncertain Significance.

NM_206933.4(USH2A):c.1705G>A (p.Ala569Thr)

Gene: USH2A (usherin; minus strand). Cytogenetic location: 1q41.
Variant type: single nucleotide variant.
Coding change: c.1705G>A on transcript NM_206933.4 (MANE Select); coding-DNA position 1705, G replaced by A.
Protein change: p.Ala569Thr; replaces alanine 569 with threonine.
Molecular consequence: missense variant.
Genome position (GRCh38, 1-based): chr1:216,292,310, C>T on the plus strand (G>A on the coding strand, the complement: USH2A is on the minus strand). VCF-style: chr1-216292310-C-T. GRCh37 (hg19) VCF-style: chr1-216465652-C-T.
Other names: c.1705G>A (NM_206933.2); c.1705G>A, p.Ala569Thr (NM_007123.6); short protein forms A569T.
Identifiers: ClinVar variation 2193827 (VCV002193827.3), dbSNP rs138739049, ClinGen allele CA1396420.